The following is an entry in ClinVar:

NM_003242.6(TGFBR2):c.1524+2T>C

Gene: TGFBR2 (transforming growth factor beta receptor 2; plus strand). Cytogenetic location: 3p24.1.
Variant type: single nucleotide variant.
Coding change: c.1524+2T>C on transcript NM_003242.6 (MANE Select); the canonical splice donor site of the intron after coding-DNA position 1524, T replaced by C.
Molecular consequence: splice donor variant.
Genome position (GRCh38, 1-based): chr3:30,688,513, T>C. VCF-style: chr3-30688513-T-C. GRCh37 (hg19) VCF-style: chr3-30730005-T-C.
Other names: c.1527+2T>C (NM_001407129.1); c.1419+2T>C (NM_001407132.1, NM_001407136.1, NM_001407133.1 and 2 more transcripts); c.1707+2T>C (NM_001407126.1); c.1599+2T>C (NM_001024847.3); c.654+2T>C (NM_001407139.1); c.1239+2T>C (NM_001407137.1); c.1632+2T>C (NM_001407127.1); c.1521+2T>C (NM_001407130.1); and 2 more.
Identifiers: ClinVar variation 1774486 (VCV001774486.2), dbSNP rs113786762, ClinGen allele CA351809469.
Genomic context (GRCh38, chr3:30,688,513, plus strand): 5'-ACAACGTGTTGAGAGATCGAGGGCGACCAGAAATTCCCAGCTTCTGGCTCAACCACCAGG[T>C]AAGGAGTGAGTGTTTACAAAGGTCAGTAAGATTCAACCAAGTTGCCTCTTAGGTGGCAGA-3'

ClinVar aggregate classification (germline): Likely pathogenic (1 of 4 stars; one submission).

Conditions:
Familial thoracic aortic aneurysm and aortic dissection (TAAD). Also called: Thoracic aortic aneurysms and dissections. Identifiers: Orphanet 91387, MedGen C4707243, MONDO:0019625.

Submission:

Ambry Genetics
Classification: Likely pathogenic for Familial thoracic aortic aneurysm and aortic dissection. Last evaluated: 2022-03-08. Review status: criteria provided, single submitter. Criteria: Ambry Variant Classification Scheme 2023. Collection method: clinical testing. Allele origin: germline.
Comment: The c.1524+2T>C intronic variant results from a T to C substitution two nucleotides after coding exon 6 in the TGFBR2 gene. This alteration occurs at the 3' terminus of the TGFBR2 gene, is not expected to trigger nonsense-mediated mRNA decay, and only impacts the last 59 amino acids of the protein. The exact functional effect of this alteration is unknown; however, the impacted region is critical for protein function (Ambry internal data). This alteration has been observed in at least one individual with a personal and/or family history that is consistent with TGFBR2-related disease (Ambry internal data). Additional alterations impacting the same donor site (c.1524G>A, c.1524+1G>T, c.1524+1G>A) have been detected in individuals with TGFBR2-related phenotypes, and c.1524G>A demonstrated co-segregation in one large family (Mizuguchi T et al. Nat Genet, 2004 Aug;36:855-60; Lerner-Ellis JP et al. Mol Genet Metab, 2014 Jun;112:171-6; Weerakkody R et al. Genet Med, 2018 11;20:1414-1422). This variant is considered to be rare based on population cohorts in the Genome Aggregation Database (gnomAD). This nucleotide position is highly conserved in available vertebrate species. In silico splice site analysis predicts that this alteration will weaken the native splice donor site and will result in the creation or strengthening of a novel splice donor site. Based on the majority of available evidence to date, this variant is likely to be pathogenic.